The following is an entry in ClinVar:

ClinVar aggregate classification (germline): Conflicting classifications of pathogenicity. Review status: criteria provided, conflicting classifications (1 of 4 stars). 2 submissions from 2 submitters: Uncertain significance (1); Likely benign (1). Last evaluated 2023-08-02.

Conditions:
Hereditary breast ovarian cancer syndrome. Also called: Hereditary breast and ovarian cancer syndrome (HBOC); Hereditary breast and ovarian cancer syndrome; Breast and ovarian cancer; Hereditary breast and/or ovarian cancer syndrome; Hereditary breast and ovarian cancer; BRCA1- and BRCA2-Associated Hereditary Breast and Ovarian Cancer. Identifiers: Orphanet 145, MedGen C0677776, MeSH D061325, MONDO:0003582. Disease mechanism: loss of function.
Hereditary cancer-predisposing syndrome. Also called: Neoplastic Syndromes, Hereditary; Hereditary Cancer Syndrome; Hereditary neoplastic syndrome; Tumor predisposition. Identifiers: Orphanet 140162, MedGen C0027672, MeSH D009386, MONDO:0015356.

Submissions (2):

Labcorp Genetics (formerly Invitae), Labcorp
Classification: Uncertain significance for Hereditary breast ovarian cancer syndrome. Last evaluated: 2023-08-02. Review status: criteria provided, single submitter. Criteria: Invitae Variant Classification Sherloc (09022015). Collection method: clinical testing. Allele origin: germline.
Comment: In summary, the available evidence is currently insufficient to determine the role of this variant in disease. Therefore, it has been classified as a Variant of Uncertain Significance. Advanced modeling of protein sequence and biophysical properties (such as structural, functional, and spatial information, amino acid conservation, physicochemical variation, residue mobility, and thermodynamic stability) performed at Invitae indicates that this missense variant is not expected to disrupt BRCA1 protein function. ClinVar contains an entry for this variant (Variation ID: 462589). This variant has not been reported in the literature in individuals affected with BRCA1-related conditions. This variant is not present in population databases (gnomAD no frequency). This sequence change replaces serine, which is neutral and polar, with arginine, which is basic and polar, at codon 850 of the BRCA1 protein (p.Ser850Arg).

University of Washington Department of Laboratory Medicine, University of Washington
Classification: Likely benign for Hereditary cancer-predisposing syndrome. Last evaluated: 2023-03-23. Review status: criteria provided, single submitter. Criteria: Dines et al. (Genet Med. 2020). Collection method: curation. Allele origin: germline.
Comment: Missense variant in a coldspot region where missense variants are very unlikely to be pathogenic (PMID:31911673).

BRCA1 coldspot (exon 11 using historical exon numbering). Reclassification based on statistical prior probability

NM_007294.4(BRCA1):c.2548A>C (p.Ser850Arg)

Gene: BRCA1 (BRCA1 DNA repair associated; minus strand). Cytogenetic location: 17q21.31.
Variant type: single nucleotide variant.
Coding change: c.2548A>C on transcript NM_007294.4 (MANE Select); coding-DNA position 2548, A replaced by C.
Protein change: p.Ser850Arg; replaces serine 850 with arginine.
Molecular consequence: missense variant. On other transcripts: intron variant (137).
Genome position (GRCh38, 1-based): chr17:43,092,983, T>G on the plus strand (A>C on the coding strand, the complement: BRCA1 is on the minus strand). VCF-style: chr17-43092983-T-G. GRCh37 (hg19) VCF-style: chr17-41245000-T-G.
Other names: c.451+1761A>C (NM_001408509.1, NM_001408508.1); c.461-1951A>C (NM_001408506.1, NM_001408507.1); c.577+1761A>C (NM_001408481.1, NM_001408480.1, NM_001408492.1 and 9 more transcripts); c.778+1761A>C (NM_001408408.1); c.661+1761A>C (NM_001408435.1, NM_001408446.1, NM_001408448.1 and 6 more transcripts); c.574+1761A>C (NM_001408491.1, NM_001408493.1, NM_001408490.1); c.2545A>C, p.Ser849Arg (NM_001407644.1, NM_001407645.1, NM_001407860.1 and 22 more transcripts); c.2539A>C, p.Ser847Arg (NM_001407646.1, NM_001407647.1); and 41 more; short protein forms S850R, S803R, S682R, S823R, S824R, S723R, S739R, S762R.
Identifiers: ClinVar variation 462589 (VCV000462589.14), dbSNP rs1555589429, ClinGen allele CA10596898.